The following is an entry in ClinVar:

NM_001130987.2(DYSF):c.1100G>C (p.Gly367Ala)

Gene: DYSF (dysferlin; plus strand). Cytogenetic location: 2p13.2.
Variant type: single nucleotide variant.
Coding change: c.1100G>C on transcript NM_001130987.2 (MANE Select); coding-DNA position 1100, G replaced by C.
Protein change: p.Gly367Ala; replaces glycine 367 with alanine.
Molecular consequence: missense variant.
Genome position (GRCh38, 1-based): chr2:71,520,855, G>C. VCF-style: chr2-71520855-G-C. GRCh37 (hg19) VCF-style: chr2-71747985-G-C.
Other names: NM_003494.4:c.1004G>C; c.1007G>C, p.Gly336Ala (NM_001130455.2, NM_001130983.2, NM_001130984.2 and 1 more transcripts); c.1004G>C, p.Gly335Ala (NM_001130976.2, NM_001130977.2, NM_001130978.2 and 1 more transcripts); c.1097G>C, p.Gly366Ala (NM_001130979.2, NM_001130980.2, NM_001130981.2); c.1100G>C, p.Gly367Ala (NM_001130982.2, NM_001130985.2); short protein forms G335A, G336A, G366A, G367A.
Identifiers: ClinVar variation 3775114 (VCV003775114.2).

ClinVar aggregate classification (germline): Likely pathogenic. Review status: reviewed by expert panel (3 of 4 stars). 2 submissions from 2 submitters: Likely pathogenic (1). 1 of the submissions does not count toward it. Last evaluated 2025-03-25.

Conditions:
Autosomal recessive limb-girdle muscular dystrophy. Identifiers: Orphanet 102015, MedGen C2931907, MONDO:0015152.

Submissions (2):

ClinGen Limb Girdle Muscular Dystrophy Variant Curation Expert Panel, ClinGen
Classification: Likely pathogenic for Autosomal recessive limb-girdle muscular dystrophy. Last evaluated: 2025-03-25. Review status: reviewed by expert panel. Criteria: ClinGen LGMD VCEP ACMG Specifications DYSF V1.0.0. Collection method: curation. Allele origin: germline. Inheritance: Autosomal recessive inheritance.
Comment: The NM_003494.4: c.1004G>C variant in DYSF, which is also known as NM_001130987.2: c.1100G>C p.(Gly367Ala), is a missense variant predicted to cause substitution of glycine to alanine at amino acid 335, p.(Gly335Ala). This variant has been reported in one patient with suspected LGMD in unknown phase with a pathogenic variant (c.1663C>T p.(Arg555Trp), 0.5 pts) and a benign variant (c.509C>A p.(Ala170Glu)) (PMID: 36983702). The c.1004G>C p.(Gly335Ala) variant was previously described as homozygous in this individual, but a heterozygous state has been confirmed (personal communication with the authors of PMIDs 18853459 and 36983702) (PM3_Supporting). This patient displayed progressive axial and proximal muscle weakness as well as absent dysferlin protein expression on muscle biopsy, which is highly specific for DYSF-related LGMD (PMID: 18853459, personal data communication; PP4_Strong). This variant is absent from gnomAD v4.1.0 (PM2_Supporting). The computational predictor REVEL gives a score of 0.86, which is above the LGMD VCEP threshold of ≥0.70, evidence that correlates with impact to DYSF function (PP3). In addition, another missense variant at the same codon, p.(Gly335Asp) resulting from c.1004G>A, has been classified as likely pathogenic for autosomal recessive limb girdle muscular dystrophy by the LGMD VCEP; however, the SpliceAI score=0.12, which is greater than the ClinGen LGMD VCEP threshold of ≤0.10 (PM5_Supporting not met). In summary, this variant meets the criteria to be classified as Likely Pathogenic for autosomal recessive limb girdle muscular dystrophy based on the ACMG/AMP criteria applied, as specified by the ClinGen LGMD VCEP (LGMD VCEP specifications version 1.0.0; 03/25/2025): PM3_Supporting, PP4_Strong, PM2_Supporting, PP3.

Myriad Genetics, Inc.
Classification: Uncertain significance for Autosomal recessive limb-girdle muscular dystrophy. Last evaluated: 2026-05-04. Review status: criteria provided, single submitter. Criteria: Myriad Autosomal Dominant, Autosomal Recessive and X-Linked Classification Criteria (2023). Collection method: clinical testing. Allele origin: unknown. Not counted in ClinVar's aggregate classification.
Comment: NM_003494.3(DYSF):c.1004G>C(G335A) is a missense variant classified as a variant of uncertain significance in the context of dysferlinopathy. G335A has been observed in a case with relevant disease (PMID: 36983702). Relevant functional assessments of this variant are not available in the literature. G335A has not been observed in referenced population frequency databases. In summary, there is insufficient evidence to classify NM_003494.3(DYSF):c.1004G>C(G335A) as pathogenic or benign. Please note: this variant was assessed in the context of healthy population screening.

Literature cited by the submitters: PubMed 36983702 (cited by Myriad Genetics, Inc.).